The following is an entry in ClinVar:

NM_006258.4(PRKG1):c.1076+31C>A

Gene: PRKG1 (protein kinase cGMP-dependent 1; plus strand). Cytogenetic location: 10q21.1.
Variant type: single nucleotide variant.
Coding change: c.1076+31C>A on transcript NM_006258.4 (MANE Select); 31 bases into the intron after coding-DNA position 1076, C replaced by A.
Molecular consequence: intron variant.
Genome position (GRCh38, 1-based): chr10:52,161,994, C>A. VCF-style: chr10-52161994-C-A. GRCh37 (hg19) VCF-style: chr10-53921754-C-A.
Other names: c.1031+31C>A (NM_001098512.3).
Identifiers: ClinVar variation 674713 (VCV000674713.5), dbSNP rs10824173, ClinGen allele CA5503743.
Genomic context (GRCh38, chr10:52,161,994, plus strand): 5'-AGCATATGAAGATGCAGAAGCTAAAGCAAAGTAAGTGACTTTTTTCCTTAATTTTGATTG[C>A]AAAATGATTTTGAATAGAAATAAGATCAAATATTTTGTTGGACTTGACACATCCCAACAC-3'

ClinVar aggregate classification (germline): Benign. Review status: criteria provided, multiple submitters, no conflicts (2 of 4 stars). 4 submissions from 4 submitters: Benign (4). Last evaluated 2026-09-21.

Conditions:
Aortic aneurysm, familial thoracic 8 (AAT8). Identifiers: MedGen C3809513, MONDO:0014187, OMIM 615436.

Allele frequency attached by ClinVar (database versions not stated): 1000 Genomes Project 0.72644; TOPMed 0.73581; 1000 Genomes Project 30x 0.72502; ESP Exome Variant Server 0.73404; gnomAD exomes 0.78248 and 0.79468; gnomAD 0.74535 and 0.74801; ExAC 0.78143.
gnomAD v4.1: 1,233,748 of 1,562,790 alleles (79%); highest among the groups gnomAD compares: South Asian, 81%; 488,590 homozygotes.

Submissions (4):

Molecular Diagnostic Laboratory for Inherited Cardiovascular Disease, Montreal Heart Institute
Classification: Benign. Last evaluated: 2026-09-21. Review status: criteria provided, single submitter. Criteria: ACMG Guidelines, 2015. Collection method: clinical testing. Allele origin: germline. Affected: no.

Genome-Nilou Lab
Classification: Benign for Aortic aneurysm, familial thoracic 8. Last evaluated: 2021-10-25. Review status: criteria provided, single submitter. Criteria: ACMG Guidelines, 2015. Collection method: clinical testing. Allele origin: germline. Affected: no.

GeneDx
Classification: Benign. Last evaluated: 2018-06-14. Review status: criteria provided, single submitter. Criteria: GeneDx Variant Classification (06012015). Collection method: clinical testing. Allele origin: germline. Affected: yes.
Comment: This variant is considered likely benign or benign based on one or more of the following criteria: it is a conservative change, it occurs at a poorly conserved position in the protein, it is predicted to be benign by multiple in silico algorithms, and/or has population frequency not consistent with disease.

Breakthrough Genomics
Classification: Benign. Review status: criteria provided, single submitter. Criteria: ACMG Guidelines, 2015. Collection method: not provided. Allele origin: germline. Inheritance: Autosomal dominant inheritance. Affected: yes.